The following is an entry in ClinVar:

NM_020812.4(DOCK6):c.2762G>A (p.Ser921Asn)

Gene: DOCK6 (dedicator of cytokinesis 6; minus strand). Cytogenetic location: 19p13.2.
Variant type: single nucleotide variant.
Coding change: c.2762G>A on transcript NM_020812.4 (MANE Select); coding-DNA position 2762, G replaced by A.
Protein change: p.Ser921Asn; replaces serine 921 with asparagine.
Molecular consequence: missense variant.
Genome position (GRCh38, 1-based): chr19:11,228,992, C>T on the plus strand (G>A on the coding strand, the complement: DOCK6 is on the minus strand). VCF-style: chr19-11228992-C-T. GRCh37 (hg19) VCF-style: chr19-11339668-C-T.
Other names: c.2867G>A, p.Ser956Asn (NM_001367830.1); short protein forms S921N, S956N.
Identifiers: ClinVar variation 2993638 (VCV002993638.2), dbSNP rs770473969, ClinGen allele CA9207498.

ClinVar aggregate classification (germline): Uncertain significance (1 of 4 stars; one submission).

Allele frequency attached by ClinVar (database versions not stated): gnomAD exomes below 0.00001; gnomAD 0.00001; ExAC 0.00002.
gnomAD v4.1: 6 of 1,613,532 alleles (0.00037%); highest among the groups gnomAD compares: South Asian, 0.0066%; no homozygotes.

Submission:

Labcorp Genetics (formerly Invitae), Labcorp
Classification: Uncertain significance. Last evaluated: 2023-07-18. Review status: criteria provided, single submitter. Criteria: Invitae Variant Classification Sherloc (09022015). Collection method: clinical testing. Allele origin: germline.
Comment: In summary, the available evidence is currently insufficient to determine the role of this variant in disease. Therefore, it has been classified as a Variant of Uncertain Significance. Advanced modeling of protein sequence and biophysical properties (such as structural, functional, and spatial information, amino acid conservation, physicochemical variation, residue mobility, and thermodynamic stability) performed at Invitae indicates that this missense variant is not expected to disrupt DOCK6 protein function. This variant has not been reported in the literature in individuals affected with DOCK6-related conditions. This variant is present in population databases (rs770473969, gnomAD 0.01%). This sequence change replaces serine, which is neutral and polar, with asparagine, which is neutral and polar, at codon 921 of the DOCK6 protein (p.Ser921Asn).